The following is an entry in ClinVar:

ClinVar aggregate classification (germline): Uncertain significance (1 of 4 stars; one submission).

Conditions:
Gastrointestinal stromal tumor. Also called: Gastrointestinal stromal tumor, somatic; Gastrointestinal stroma tumor. Identifiers: Orphanet 44890, MedGen C0238198, MeSH D046152, MONDO:0011719, OMIM 606764, HP:0100723.

Submission:

Labcorp Genetics (formerly Invitae), Labcorp
Classification: Uncertain significance for Gastrointestinal stromal tumor. Last evaluated: 2025-10-04. Review status: criteria provided, single submitter. Criteria: Invitae Variant Classification Sherloc (09022015). Collection method: clinical testing. Allele origin: germline.
Comment: This sequence change replaces alanine, which is neutral and non-polar, with threonine, which is neutral and polar, at codon 909 of the KIT protein (p.Ala909Thr). This variant is not present in population databases (gnomAD no frequency). This variant has not been reported in the literature in individuals affected with KIT-related conditions. An algorithm developed to predict the effect of missense changes on protein structure and function (PolyPhen-2) suggests that this variant is likely to be tolerated. In summary, the available evidence is currently insufficient to determine the role of this variant in disease. Therefore, it has been classified as a Variant of Uncertain Significance.

NM_000222.3(KIT):c.2725G>A (p.Ala909Thr)

Gene: KIT (KIT proto-oncogene, receptor tyrosine kinase; plus strand). Cytogenetic location: 4q12.
Variant type: single nucleotide variant.
Coding change: c.2725G>A on transcript NM_000222.3 (MANE Select); coding-DNA position 2725, G replaced by A.
Protein change: p.Ala909Thr; replaces alanine 909 with threonine.
Molecular consequence: missense variant.
Genome position (GRCh38, 1-based): chr4:54,737,203, G>A. VCF-style: chr4-54737203-G-A. GRCh37 (hg19) VCF-style: chr4-55603369-G-A.
Other names: c.2713G>A, p.Ala905Thr (NM_001093772.2, NM_001385292.1); c.2728G>A, p.Ala910Thr (NM_001385284.1); c.2722G>A, p.Ala908Thr (NM_001385285.1); c.2710G>A, p.Ala904Thr (NM_001385286.1); c.2716G>A, p.Ala906Thr (NM_001385288.1); c.2725G>A, p.Ala909Thr (NM_001385290.1); short protein forms A904T, A905T, A906T, A909T, A908T, A910T.
Identifiers: ClinVar variation 4707301 (VCV004707301.1).